The following is an entry in ClinVar:

NM_012233.3(RAB3GAP1):c.2580GGA[2] (p.Glu863del)

Gene: RAB3GAP1 (RAB3 GTPase activating protein catalytic subunit 1; plus strand). Cytogenetic location: 2q21.3.
Variant type: Microsatellite.
Coding change: c.2580GGA[2] on transcript NM_012233.3 (MANE Select); two copies in a row of the 3-base unit GGA starting at c.2580; the reference has three copies in a row; one copy, 3 bases deleted.
Protein change: p.Glu863del; deletes glutamic acid 863.
Molecular consequence: inframe deletion.
Genome position (GRCh38, 1-based): chr2:135,163,081-135,163,083, GGA deleted; deleting any 3 consecutive bases within chr2:135,163,074-135,163,083 gives the same sequence; the position shown is the placement nearest the transcript's 3' end. VCF-style (leftmost placement, unchanged base first): chr2-135163073-CAGG-C. GRCh37 (hg19) VCF-style: chr2-135920643-CAGG-C.
Other names: c.2580GGA[2], p.Glu863del (NM_001172435.2); short protein forms E863del.
Identifiers: ClinVar variation 2197847 (VCV002197847.3), dbSNP rs745502106, ClinGen allele CA1885109.

ClinVar aggregate classification (germline): Uncertain significance (1 of 4 stars; one submission).

Submission:

Labcorp Genetics (formerly Invitae), Labcorp
Classification: Uncertain significance. Last evaluated: 2022-08-17. Review status: criteria provided, single submitter. Criteria: Invitae Variant Classification Sherloc (09022015). Collection method: clinical testing. Allele origin: germline.
Comment: In summary, the available evidence is currently insufficient to determine the role of this variant in disease. Therefore, it has been classified as a Variant of Uncertain Significance. Experimental studies and prediction algorithms are not available or were not evaluated, and the functional significance of this variant is currently unknown. This variant has not been reported in the literature in individuals affected with RAB3GAP1-related conditions. This variant is present in population databases (rs745502106, gnomAD 0.0009%). This variant, c.2586_2588del, results in the deletion of 1 amino acid(s) of the RAB3GAP1 protein (p.Glu863del), but otherwise preserves the integrity of the reading frame.